The following is an entry in ClinVar:

ClinVar aggregate classification (germline): Benign. Review status: criteria provided, multiple submitters, no conflicts (2 of 4 stars). 2 submissions from 2 submitters: Benign (2). Last evaluated 2018-01-12.

Conditions:
Heterotaxy, visceral, 4, autosomal (HTX4). Identifiers: Orphanet 450, MedGen C3151057, MONDO:0013403, OMIM 613751.

Allele frequency attached by ClinVar (database versions not stated): 1000 Genomes Project 0.00080; 1000 Genomes Project 30x 0.00125; gnomAD 0.00132 and 0.00135; TOPMed 0.00168; gnomAD exomes 0.00169.
gnomAD v4.1: 727 of 454,372 alleles (0.16%); highest among the groups gnomAD compares: Admixed American, 0.25%; 2 homozygotes.

Submissions (2):

Illumina Laboratory Services, Illumina
Classification: Benign for Heterotaxy, visceral, 4, autosomal. Last evaluated: 2018-01-12. Review status: criteria provided, single submitter. Criteria: ICSL Variant Classification Criteria 13 December 2019. Collection method: clinical testing. Allele origin: germline.
Comment: This variant was observed in the ICSL laboratory as part of a predisposition screen in an ostensibly healthy population. It had not been previously curated by ICSL or reported in the Human Gene Mutation Database (HGMD: prior to June 1st, 2018), and was therefore a candidate for classification through an automated scoring system. Utilizing variant allele frequency, disease prevalence and penetrance estimates, and inheritance mode, an automated score was calculated to assess if this variant is too frequent to cause the disease. Based on the score and internal cut-off values, a variant classified as benign is not then subjected to further curation. The score for this variant resulted in a classification of benign for this disease.

Breakthrough Genomics
Classification: Benign. Review status: criteria provided, single submitter. Criteria: ACMG Guidelines, 2015. Collection method: not provided. Allele origin: germline. Inheritance: Unknown mechanism. Affected: yes.

NM_001106.4(ACVR2B):c.*133A>T

Gene: ACVR2B (activin A receptor type 2B; plus strand). Cytogenetic location: 3p22.2.
Variant type: single nucleotide variant.
Coding change: c.*133A>T on transcript NM_001106.4 (MANE Select); 133 bases downstream of the stop codon, A replaced by T.
Molecular consequence: 3 prime UTR variant.
Genome position (GRCh38, 1-based): chr3:38,483,465, A>T. VCF-style: chr3-38483465-A-T. GRCh37 (hg19) VCF-style: chr3-38524956-A-T.
Identifiers: ClinVar variation 344924 (VCV000344924.6), dbSNP rs186832239, ClinGen allele CA10615723.
Genomic context (GRCh38, chr3:38,483,465, plus strand): 5'-GGAAATCCCATAAAACCAACAAACACATAAAATGCAGCTGCTATTTTACCTTGACTTTTT[A>T]TTATTATTATTATAATTATTATAATTATTATTATTAATATTATTTTTTGGATTGGATCAG-3'